The following is an entry in ClinVar:

ClinVar aggregate classification (germline): Uncertain significance. Review status: criteria provided, multiple submitters, no conflicts (2 of 4 stars). 2 submissions from 2 submitters: Uncertain significance (2). Last evaluated 2022-07-19.

Conditions:
Familial hemophagocytic lymphohistiocytosis 5. Also called: STXBP2-Related Familial Hemophagocytic Lymphohistiocytosis (STXBP2-fHLH). Identifiers: Orphanet 540, MedGen C2751293, MONDO:0013135, OMIM 613101.

Allele frequency attached by ClinVar (database versions not stated): TOPMed below 0.00001.

Submissions (2):

Labcorp Genetics (formerly Invitae), Labcorp
Classification: Uncertain significance for Familial hemophagocytic lymphohistiocytosis 5. Last evaluated: 2022-07-19. Review status: criteria provided, single submitter. Criteria: Invitae Variant Classification Sherloc (09022015). Collection method: clinical testing. Allele origin: germline.
Comment: This sequence change replaces alanine, which is neutral and non-polar, with threonine, which is neutral and polar, at codon 8 of the STXBP2 protein (p.Ala8Thr). This variant is not present in population databases (gnomAD no frequency). This variant has not been reported in the literature in individuals affected with STXBP2-related conditions. ClinVar contains an entry for this variant (Variation ID: 1354306). Algorithms developed to predict the effect of missense changes on protein structure and function (SIFT, PolyPhen-2, Align-GVGD) all suggest that this variant is likely to be tolerated. In summary, the available evidence is currently insufficient to determine the role of this variant in disease. Therefore, it has been classified as a Variant of Uncertain Significance.

Breakthrough Genomics
Classification: Uncertain significance. Review status: criteria provided, single submitter. Criteria: ACMG Guidelines, 2015. Collection method: not provided. Allele origin: germline. Inheritance: Autosomal recessive inheritance. Affected: yes.

NM_006949.4(STXBP2):c.22G>A (p.Ala8Thr)

Gene: STXBP2 (syntaxin binding protein 2; plus strand). Cytogenetic location: 19p13.2.
Variant type: single nucleotide variant.
Coding change: c.22G>A on transcript NM_006949.4 (MANE Select); coding-DNA position 22, G replaced by A.
Protein change: p.Ala8Thr; replaces alanine 8 with threonine.
Molecular consequence: missense variant. On other transcripts: non-coding transcript variant (1).
Genome position (GRCh38, 1-based): chr19:7,637,171, G>A. VCF-style: chr19-7637171-G-A. GRCh37 (hg19) VCF-style: chr19-7702057-G-A.
Other names: c.22G>A, p.Ala8Thr (NM_001127396.3, NM_001272034.2); short protein forms A8T.
Identifiers: ClinVar variation 1354306 (VCV001354306.10), dbSNP rs1013949732, ClinGen allele CA403155121.